The following is an entry in ClinVar:

NM_018136.5(ASPM):c.5762A>G (p.Lys1921Arg)

Gene: ASPM (assembly factor for spindle microtubules; minus strand). Cytogenetic location: 1q31.3.
Variant type: single nucleotide variant.
Coding change: c.5762A>G on transcript NM_018136.5 (MANE Select); coding-DNA position 5762, A replaced by G.
Protein change: p.Lys1921Arg; replaces lysine 1921 with arginine.
Molecular consequence: missense variant. On other transcripts: intron variant (1).
Genome position (GRCh38, 1-based): chr1:197,103,489, T>C on the plus strand (A>G on the coding strand, the complement: ASPM is on the minus strand). VCF-style: chr1-197103489-T-C. GRCh37 (hg19) VCF-style: chr1-197072619-T-C.
Other names: c.4066-7325A>G (NM_001206846.2); short protein forms K1921R.
Identifiers: ClinVar variation 1510502 (VCV001510502.5), dbSNP rs1051721111, ClinGen allele CA35871727.

ClinVar aggregate classification (germline): Uncertain significance (1 of 4 stars; one submission).

Allele frequency attached by ClinVar (database versions not stated): gnomAD 0.00001; gnomAD exomes 0.00001; TOPMed 0.00002.
gnomAD v4.1: 6 of 1,613,158 alleles (0.00037%); highest among the groups gnomAD compares: Middle Eastern, 0.033%; no homozygotes.

Submission:

Labcorp Genetics (formerly Invitae), Labcorp
Classification: Uncertain significance. Last evaluated: 2022-10-17. Review status: criteria provided, single submitter. Criteria: Invitae Variant Classification Sherloc (09022015). Collection method: clinical testing. Allele origin: germline.
Comment: This sequence change replaces lysine, which is basic and polar, with arginine, which is basic and polar, at codon 1921 of the ASPM protein (p.Lys1921Arg). This variant is not present in population databases (gnomAD no frequency). This variant has not been reported in the literature in individuals affected with ASPM-related conditions. ClinVar contains an entry for this variant (Variation ID: 1510502). Advanced modeling of protein sequence and biophysical properties (such as structural, functional, and spatial information, amino acid conservation, physicochemical variation, residue mobility, and thermodynamic stability) performed at Invitae indicates that this missense variant is not expected to disrupt ASPM protein function. In summary, the available evidence is currently insufficient to determine the role of this variant in disease. Therefore, it has been classified as a Variant of Uncertain Significance.